The following is an entry in ClinVar:

NM_031220.4(PITPNM3):c.1085+4G>A

Gene: PITPNM3 (PITPNM family member 3; minus strand). Cytogenetic location: 17p13.2.
Variant type: single nucleotide variant.
Coding change: c.1085+4G>A on transcript NM_031220.4 (MANE Select); 4 bases into the intron after coding-DNA position 1085, G replaced by A.
Molecular consequence: intron variant.
Genome position (GRCh38, 1-based): chr17:6,477,025, C>T on the plus strand (G>A on the coding strand, the complement: PITPNM3 is on the minus strand). VCF-style: chr17-6477025-C-T. GRCh37 (hg19) VCF-style: chr17-6380345-C-T.
Other names: c.977+4G>A (NM_001165966.2).
Identifiers: ClinVar variation 1450457 (VCV001450457.7), dbSNP rs1422051618, ClinGen allele CA624664224.

ClinVar aggregate classification (germline): Conflicting classifications of pathogenicity. Review status: criteria provided, conflicting classifications (1 of 4 stars). 2 submissions from 2 submitters: Uncertain significance (1); Likely benign (1). Last evaluated 2024-02-04.

Allele frequency attached by ClinVar (database versions not stated): gnomAD exomes below 0.00001 and 0.00002; gnomAD 0.00001; TOPMed 0.00002.
gnomAD v4.1: 7 of 1,613,888 alleles (0.00043%); highest among the groups gnomAD compares: Middle Eastern, 0.016%; no homozygotes.

Submissions (2):

Labcorp Genetics (formerly Invitae), Labcorp
Classification: Uncertain significance. Last evaluated: 2024-02-04. Review status: criteria provided, single submitter. Criteria: Invitae Variant Classification Sherloc (09022015). Collection method: clinical testing. Allele origin: germline.
Comment: This sequence change falls in intron 9 of the PITPNM3 gene. It does not directly change the encoded amino acid sequence of the PITPNM3 protein. It affects a nucleotide within the consensus splice site. This variant is present in population databases (no rsID available, gnomAD 0.009%). This variant has not been reported in the literature in individuals affected with PITPNM3-related conditions. ClinVar contains an entry for this variant (Variation ID: 1450457). Variants that disrupt the consensus splice site are a relatively common cause of aberrant splicing (PMID: 17576681, 9536098). Algorithms developed to predict the effect of sequence changes on RNA splicing suggest that this variant is not likely to affect RNA splicing. In summary, the available evidence is currently insufficient to determine the role of this variant in disease. Therefore, it has been classified as a Variant of Uncertain Significance.

Blueprint Genetics
Classification: Likely benign. Last evaluated: 2021-08-26. Review status: criteria provided, single submitter. Criteria: ACMG Guidelines, 2015. Collection method: clinical testing. Allele origin: germline.

Literature cited by the submitters: PubMed 17576681 (cited by Labcorp Genetics (formerly Invitae), Labcorp); PubMed 9536098 (cited by Labcorp Genetics (formerly Invitae), Labcorp).